The following is an entry in ClinVar:

ClinVar aggregate classification (germline): Pathogenic (1 of 4 stars; one submission).

Conditions:
Inborn genetic diseases. Identifiers: MedGen C0950123, MeSH D030342.

Submission:

Ambry Genetics
Classification: Pathogenic for Inborn genetic diseases. Last evaluated: 2025-05-05. Review status: criteria provided, single submitter. Criteria: Ambry Variant Classification Scheme 2023. Collection method: clinical testing. Allele origin: germline.
Comment: The c.43C>T (p.Q15*) alteration, located in exon 3 (coding exon 1) of the RAI1 gene, consists of a C to T substitution at nucleotide position 43. This changes the amino acid from a glutamine (Q) to a stop codon at amino acid position 15. The predicted stop codon occurs in the 5' end of the RAI1 gene. Premature termination codons in the 5&rsquo; end of a gene have been reported to escape nonsense-mediated mRNA decay and/or lead to re-initiation (Rivas, 2015; Lindeboom, 2016; Rhee, 2017). Direct evidence for this alteration is unavailable; however, premature termination codons are typically deleterious in nature. This variant was not reported in population-based cohorts in the Genome Aggregation Database (gnomAD). Based on the available evidence, this alteration is classified as pathogenic.

Literature cited by the submitters: PubMed 25954003; PubMed 27618451; PubMed 28490743.

NM_030665.4(RAI1):c.43C>T (p.Gln15Ter)

Gene: RAI1 (retinoic acid induced 1; plus strand). Cytogenetic location: 17p11.2.
Variant type: single nucleotide variant.
Coding change: c.43C>T on transcript NM_030665.4 (MANE Select); coding-DNA position 43, C replaced by T.
Protein change: p.Gln15Ter; replaces glutamine 15 with a stop codon.
Molecular consequence: nonsense.
Genome position (GRCh38, 1-based): chr17:17,792,991, C>T. VCF-style: chr17-17792991-C-T. GRCh37 (hg19) VCF-style: chr17-17696305-C-T.
Other names: short protein forms Q15*.
Identifiers: ClinVar variation 3942519 (VCV003942519.1).